The following is an entry in ClinVar:

NM_000512.5(GALNS):c.415G>A (p.Gly139Ser)

Gene: GALNS (galactosamine (N-acetyl)-6-sulfatase; minus strand). Cytogenetic location: 16q24.3.
Variant type: single nucleotide variant.
Coding change: c.415G>A on transcript NM_000512.5 (MANE Select); coding-DNA position 415, G replaced by A.
Protein change: p.Gly139Ser; replaces glycine 139 with serine.
Molecular consequence: missense variant. On other transcripts: 5 prime UTR variant (1).
Genome position (GRCh38, 1-based): chr16:88,840,999, C>T on the plus strand (G>A on the coding strand, the complement: GALNS is on the minus strand). VCF-style: chr16-88840999-C-T. GRCh37 (hg19) VCF-style: chr16-88907407-C-T.
Other names: c.-141G>A (NM_001323543.2); c.433G>A, p.Gly145Ser (NM_001323544.2); short protein forms G139S, G145S.
Identifiers: ClinVar variation 265167 (VCV000265167.63), dbSNP rs146093755, ClinGen allele CA8235170.

ClinVar aggregate classification (germline): Pathogenic. Review status: criteria provided, multiple submitters, no conflicts (2 of 4 stars). 9 submissions from 9 submitters: Pathogenic (9). Last evaluated 2026-01-16.

Conditions:
Morquio syndrome. Also called: Mucopolysaccharidosis, Type IV; MPS IV; Mucopolysaccharidosis type 4; Eccentrochondrodysplasia. Identifiers: Orphanet 582, MedGen C0026707, MONDO:0018938.
Mucopolysaccharidosis, MPS-IV-A (MPS4A). Also called: GALACTOSAMINE-6-SULFATASE DEFICIENCY; GALNS DEFICIENCY; Mucopolysaccharidosis Type IVA; Morquio syndrome A, mild; MORQUIO SYNDROME A; Mucopolysaccharidosis type IV A. Identifiers: Orphanet 309297, Orphanet 582, MedGen C0086651, MONDO:0009659, OMIM 253000.

Allele frequency attached by ClinVar (database versions not stated): ExAC 0.00001; gnomAD exomes 0.00001; gnomAD 0.00003 and 0.00004; TOPMed 0.00004; ESP Exome Variant Server 0.00008.
gnomAD v4.1: 20 of 1,612,828 alleles (0.0012%); highest among the groups gnomAD compares: African/African-American, 0.0053%; no homozygotes.

Submissions (9):

Labcorp Genetics (formerly Invitae), Labcorp
Classification: Pathogenic for Mucopolysaccharidosis, MPS-IV-A. Last evaluated: 2026-01-16. Review status: criteria provided, single submitter. Criteria: Invitae Variant Classification Sherloc (09022015). Collection method: clinical testing. Allele origin: germline.
Comment: This sequence change replaces glycine, which is neutral and non-polar, with serine, which is neutral and polar, at codon 139 of the GALNS protein (p.Gly139Ser). This variant is present in population databases (rs146093755, gnomAD 0.003%). This missense change has been observed in individuals with mucopolysaccharidosis type IVa (PMID: 9375852, 15235041, 23227063, 23876334). ClinVar contains an entry for this variant (Variation ID: 265167). Invitae Evidence Modeling of protein sequence and biophysical properties (such as structural, functional, and spatial information, amino acid conservation, physicochemical variation, residue mobility, and thermodynamic stability) indicates that this missense variant is expected to disrupt GALNS protein function with a positive predictive value of 95%. Experimental studies have shown that this missense change affects GALNS function (PMID: 9375852). This variant disrupts the p.Gly139 amino acid residue in GALNS. Other variant(s) that disrupt this residue have been observed in individuals with GALNS-related conditions (PMID: 30980944), which suggests that this may be a clinically significant amino acid residue. For these reasons, this variant has been classified as Pathogenic.

3billion
Classification: Pathogenic for Mucopolysaccharidosis, MPS-IV-A. Last evaluated: 2025-07-10. Review status: criteria provided, single submitter. Criteria: ACMG Guidelines, 2015. Collection method: clinical testing. Allele origin: germline. Affected: yes.
Comment: The variant is observed at an extremely low frequency in the gnomAD v4.1.0 dataset (total allele frequency: 0.001%). Predicted Consequence/Location: Missense variant Functional studies provide supporting evidence of the variant having a damaging effect on the gene or gene product (PMID: 9375852). In silico tool predictions suggest damaging effect of the variant on gene or gene product [REVEL: 0.96 (>=0.6, sensitivity 0.68 and specificity 0.92); 3Cnet: 0.97 (> 0.75, sensitivity 0.96 and precision 0.92)]. The same nucleotide change resulting in the same amino acid change has been previously reported as pathogenic/likely pathogenic with strong evidence (ClinVar ID: VCV000265167 /PMID: 9375852). The variant has been observed in multiple (>3) similarly affected unrelated individuals (PMID: 23227063, 23876334). A different missense change at the same codon (p.Gly139Asp) has been reported to be associated with GALNS-related disorder (PMID: 30980944). Therefore, this variant is classified as Pathogenic according to the recommendation of ACMG/AMP guideline.

GeneDx
Classification: Pathogenic. Last evaluated: 2024-03-12. Review status: criteria provided, single submitter. Criteria: GeneDx Variant Classification Process June 2021. Collection method: clinical testing. Allele origin: germline. Affected: yes.
Comment: Published functional studies found this variant is associated with significantly reduced enzyme activity (PMID: 9375852); Not observed at significant frequency in large population cohorts (gnomAD); In silico analysis supports that this missense variant has a deleterious effect on protein structure/function; This variant is associated with the following publications: (PMID: no PMID, 25137622, 25287660, 15309681, 22521955, 25252036, 16287098, 24726177, 20574428, 9375852, 25501214, 23227063, 23876334, 32079294)

Women's Health and Genetics/Laboratory Corporation of America, LabCorp
Classification: Pathogenic for Morquio syndrome. Last evaluated: 2023-04-04. Review status: criteria provided, single submitter. Criteria: LabCorp Variant Classification Summary - May 2015. Collection method: clinical testing. Allele origin: germline.
Comment: Variant summary: GALNS c.415G>A (p.Gly139Ser) results in a non-conservative amino acid change to a highly conserved residue in the Sulfatase, N-terminal (IPR000917) domain of the encoded protein sequence. Five of five in-silico tools predict a damaging effect of the variant on protein function. The variant allele was found at a frequency of 8e-06 in 251092 control chromosomes. c.415G>A has been reported in the literature in multiple individuals affected with severe Mucopolysaccharidosis Type IVA (Morquio Syndrome A) (Tomatsu_1997, Bidchol_2014, Dung_2013, Lee_2012), and some were reported as compound heterozygous with other (likely) pathogenic variants. These data indicate that the variant is very likely to be associated with disease. At least one publication reports experimental evidence evaluating an impact on protein function, resulting in <10% of normal enzymatic activity (Tomatsu_1997). Seven submitters have provided clinical-significance assessments for this variant to ClinVar after 2014, and all classified the variant as pathogenic. Based on the evidence outlined above, the variant was classified as pathogenic.

Kasturba Medical College, Manipal, Kasturba Medical College, Manipal, Manipal Academy of Higher Education, Manipal, India
Classification: Pathogenic for Mucopolysaccharidosis, MPS-IV-A. Last evaluated: 2022-05-09. Review status: criteria provided, single submitter. Criteria: ACMG Guidelines, 2015. Collection method: clinical testing. Allele origin: germline. Affected: yes.

Genome-Nilou Lab
Classification: Pathogenic for Mucopolysaccharidosis, MPS-IV-A. Last evaluated: 2021-11-07. Review status: criteria provided, single submitter. Criteria: ACMG Guidelines, 2015. Collection method: clinical testing. Allele origin: germline. Affected: no.

Laboratory of Diagnosis and Therapy of Lysosomal Disorders, University of Padova
Classification: Pathogenic for Mucopolysaccharidosis, MPS-IV-A. Last evaluated: 2021-02-01. Review status: criteria provided, single submitter. Criteria: ACMG Guidelines, 2015. Collection method: research. Allele origin: germline. Affected: yes.
Comment: In vitro and in vivo functional studies supportive of a damaging effect on the gene product (low to null enzymatic activity in homozygotes; low to null in vitro enzymatic activity; PS3_strong); the prevalence of the variant in affected individuals is significantly increased compared with the prevalence in controls (PS4_strong); very low frequency in gnomAD v2.1.1 (PM2_moderate); multiple lines of computational evidence support a deleterious effect on the gene (PP3_supporting)

Eurofins Ntd Llc (ga)
Classification: Pathogenic. Last evaluated: 2017-11-10. Review status: criteria provided, single submitter. Criteria: EGL Classification Definitions 2015. Collection method: clinical testing. Allele origin: germline. Observed: 2 variant alleles, 2 heterozygotes.

CeGaT Center for Human Genetics Tuebingen
Classification: Pathogenic. Last evaluated: 2016-12-01. Review status: criteria provided, single submitter. Criteria: CeGaT Center For Human Genetics Tuebingen Variant Classification Criteria Version 2. Collection method: clinical testing. Allele origin: germline. Affected: yes. Observed: 1 variant allele.

Literature cited by the submitters: PubMed 9375852 (cited by 3 submitters); PubMed 15235041 (cited by Labcorp Genetics (formerly Invitae), Labcorp and Laboratory of Diagnosis and Therapy of Lysosomal Disorders, University of Padova); PubMed 23227063 (cited by 4 submitters); PubMed 23876334 (cited by 4 submitters); PubMed 30980944 (cited by Labcorp Genetics (formerly Invitae), Labcorp and 3billion); PubMed 25252036 (cited by Women's Health and Genetics/Laboratory Corporation of America, LabCorp and Laboratory of Diagnosis and Therapy of Lysosomal Disorders, University of Padova); PubMed 15309681 (cited by Laboratory of Diagnosis and Therapy of Lysosomal Disorders, University of Padova); PubMed 16287098 (cited by Laboratory of Diagnosis and Therapy of Lysosomal Disorders, University of Padova); PubMed 20574428 (cited by Laboratory of Diagnosis and Therapy of Lysosomal Disorders, University of Padova); PubMed 22521955 (cited by Laboratory of Diagnosis and Therapy of Lysosomal Disorders, University of Padova); PubMed 24726177 (cited by Laboratory of Diagnosis and Therapy of Lysosomal Disorders, University of Padova); PubMed 34387910 (cited by Laboratory of Diagnosis and Therapy of Lysosomal Disorders, University of Padova).